The following is an entry in ClinVar:

ClinVar aggregate classification (germline): Likely pathogenic (1 of 4 stars; one submission).

Allele frequency attached by ClinVar (database versions not stated): TOPMed 0.00001.
gnomAD v4.1: 1 of 1,614,040 alleles (0.000062%); highest among the groups gnomAD compares: Admixed American, 0.0017%; no homozygotes.

Submission:

Athena Diagnostics
Classification: Likely pathogenic. Last evaluated: 2023-07-27. Review status: criteria provided, single submitter. Criteria: Athena Diagnostics Criteria. Collection method: clinical testing. Allele origin: unknown.
Comment: This variant is expected to result in the loss of a functional protein. This variant has not been reported in large, multi-ethnic general populations.

NM_182961.4(SYNE1):c.16828G>T (p.Gly5610Ter)

Genes: SYNE1 (spectrin repeat containing nuclear envelope protein 1; minus strand), LOC126859837 (BRD4-independent group 4 enhancer GRCh37_chr6:152630775-152631974; plus strand). Cytogenetic location: 6q25.2.
Variant type: single nucleotide variant.
Coding change: c.16828G>T on transcript NM_182961.4 (MANE Select); coding-DNA position 16828, G replaced by T.
Protein change: p.Gly5610Ter; replaces glycine 5610 with a stop codon.
Molecular consequence: nonsense.
Genome position (GRCh38, 1-based): chr6:152,310,756, C>A on the plus strand (G>T on the coding strand, the complement: SYNE1 is on the minus strand). VCF-style: chr6-152310756-C-A. GRCh37 (hg19) VCF-style: chr6-152631891-C-A.
Other names: c.16615G>T, p.Gly5539Ter (NM_033071.5); short protein forms G5539*, G5610*.
Identifiers: ClinVar variation 2684036 (VCV002684036.1), dbSNP rs2095522708, ClinGen allele CA366107919.
Genomic context (GRCh38, chr6:152,310,756, plus strand): 5'-CATCTTGGAGGTTCTGCAAACGAATTTTGATCATCTGTCGCAACTCCTCAGTCTCCCGTC[C>A]CAGTTCTGCCACTTGCTGAGACATTTTTTCTGTACAGTACACGCTAGTGAGGTACTGTAA-3'